The following is an entry in ClinVar:

NM_001035.3(RYR2):c.1787C>T (p.Ser596Phe)

Gene: RYR2 (ryanodine receptor 2; plus strand). Cytogenetic location: 1q43.
Variant type: single nucleotide variant.
Coding change: c.1787C>T on transcript NM_001035.3 (MANE Select); coding-DNA position 1787, C replaced by T.
Protein change: p.Ser596Phe; replaces serine 596 with phenylalanine.
Molecular consequence: missense variant.
Genome position (GRCh38, 1-based): chr1:237,491,884, C>T. VCF-style: chr1-237491884-C-T. GRCh37 (hg19) VCF-style: chr1-237655184-C-T.
Other names: c.1787C>T (NM_001035.2); short protein forms S596F.
Identifiers: ClinVar variation 3385676 (VCV003385676.2).
Genomic context (GRCh38, chr1:237,491,884, plus strand): 5'-ACTGTGTTTTAGTAGAAAGTCCAGAAGCTCTAAATATTATTAAAGAAGGACATATTAAAT[C>T]TATTATCTCACTTTTAGACAAACATGGAAGAAATCACAAGGTAAATGAACTATTTTATTT-3'
Protein context (NP_001026.2, residues 586-606): LNIIKEGHIK[Ser596Phe]IISLLDKHGR

ClinVar aggregate classification (germline): Uncertain significance. Review status: criteria provided, multiple submitters, no conflicts (2 of 4 stars). 2 submissions from 2 submitters: Uncertain significance (2). Last evaluated 2025-10-15.

Conditions:
Cardiovascular phenotype. Identifiers: MedGen CN230736.
Catecholaminergic polymorphic ventricular tachycardia (CVPT). Also called: Catecholamine-induced polymorphic ventricular tachycardia. Identifiers: Orphanet 3286, MedGen C5574922, MONDO:0017990.

gnomAD v4.1: 1 of 1,434,604 alleles (0.00007%); highest among the groups gnomAD compares: Non-Finnish European, 0.000096%; no homozygotes.

Submissions (2):

Ambry Genetics
Classification: Uncertain significance for Cardiovascular phenotype. Last evaluated: 2025-10-15. Review status: criteria provided, single submitter. Criteria: Ambry Variant Classification Scheme 2023. Collection method: clinical testing. Allele origin: germline.
Comment: The p.S596F variant (also known as c.1787C>T), located in coding exon 18 of the RYR2 gene, results from a C to T substitution at nucleotide position 1787. The serine at codon 596 is replaced by phenylalanine, an amino acid with highly dissimilar properties. This amino acid position is highly conserved in available vertebrate species. In addition, this alteration is predicted to be deleterious by in silico analysis. Based on the available evidence, the clinical significance of this variant remains unclear.

All of Us Research Program, National Institutes of Health
Classification: Uncertain significance for Catecholaminergic polymorphic ventricular tachycardia. Last evaluated: 2024-02-22. Review status: criteria provided, single submitter. Criteria: ACMG Guidelines, 2015. Collection method: clinical testing. Allele origin: germline. Inheritance: Autosomal dominant inheritance. Observed: 1 variant allele, 1 heterozygote.
Comment: This missense variant replaces serine with phenylalanine at codon 596 of the RYR2 protein. Computational prediction suggests that this variant may have deleterious impact on protein structure and function (internally defined REVEL score threshold >= 0.7, PMID: 27666373). To our knowledge, functional studies have not been reported for this variant. This variant has not been reported in individuals affected with RYR2-related disorders in the literature. This variant has not been identified in the general population by the Genome Aggregation Database (gnomAD). The available evidence is insufficient to determine the role of this variant in disease conclusively. Therefore, this variant is classified as a Variant of Uncertain Significance.

This study involves interpretation of variants in research participants for the purpose of population health screening. Participant phenotype was not available at the time of variant classification. Additional details can be found in publication PMID: 35346344, PMCID: PMC8962531